The following is an entry in ClinVar:

NM_015046.7(SETX):c.7287+166C>T

Genes: SETX (senataxin; minus strand), LOC126860782 (P300/CBP strongly-dependent group 1 enhancer GRCh37_chr9:135144739-135145938; plus strand). Cytogenetic location: 9q34.13.
Variant type: single nucleotide variant.
Coding change: c.7287+166C>T on transcript NM_015046.7 (MANE Select); 166 bases into the intron after coding-DNA position 7287, C replaced by T.
Molecular consequence: intron variant. On other transcripts: missense variant (1).
Genome position (GRCh38, 1-based): chr9:132,269,449, G>A on the plus strand (C>T on the coding strand, the complement: SETX is on the minus strand). VCF-style: chr9-132269449-G-A. GRCh37 (hg19) VCF-style: chr9-135144836-G-A.
Other names: c.7328C>T, p.Ser2443Leu (NM_001351528.2); c.7287+166C>T (NM_001351527.2); short protein forms S2443L.
Identifiers: ClinVar variation 4985802 (VCV004985802.1).

ClinVar aggregate classification (germline): Uncertain significance (1 of 4 stars; one submission).

Conditions:
SETX-related disorder. Also called: SETX-related condition; SETX-related disorders. Identifiers: MedGen CN239403.

gnomAD v4.1: 4 of 1,579,700 alleles (0.00025%); highest among the groups gnomAD compares: African/African-American, 0.0041%; no homozygotes.

Submission:

PreventionGenetics, part of Exact Sciences
Classification: Uncertain significance for SETX-related condition. Last evaluated: 2025-05-06. Review status: criteria provided, single submitter. Criteria: ACMG Guidelines, 2015. Collection method: clinical testing. Allele origin: germline.
Comment: The SETX c.7328C>T variant is predicted to result in the amino acid substitution p.Ser2443Leu. To our knowledge, this variant has not been reported in the literature or in gnomAD, indicating that it is rare. At this time, the clinical significance of this variant is uncertain due to the absence of conclusive functional and genetic evidence.